The following is an entry in ClinVar:

NM_153252.5(BRWD3):c.14C>G (p.Pro5Arg)

Gene: BRWD3 (bromodomain and WD repeat domain containing 3; minus strand). Cytogenetic location: Xq21.1.
Variant type: single nucleotide variant.
Coding change: c.14C>G on transcript NM_153252.5 (MANE Select); coding-DNA position 14, C replaced by G.
Protein change: p.Pro5Arg; replaces proline 5 with arginine.
Molecular consequence: missense variant.
Genome position (GRCh38, 1-based): chrX:80,809,458, G>C on the plus strand (C>G on the coding strand, the complement: BRWD3 is on the minus strand). VCF-style: chrX-80809458-G-C. GRCh37 (hg19) VCF-style: chrX-80064957-G-C.
Other names: short protein forms P5R.
Identifiers: ClinVar variation 1773974 (VCV001773974.5), dbSNP rs773723606, ClinGen allele CA10462468.

ClinVar aggregate classification (germline): Conflicting classifications of pathogenicity. Review status: criteria provided, conflicting classifications (1 of 4 stars). 2 submissions from 2 submitters: Uncertain significance (1); Benign (1). Last evaluated 2023-09-10.

Conditions:
Inborn genetic diseases. Identifiers: MedGen C0950123, MeSH D030342.

Allele frequency attached by ClinVar (database versions not stated): TOPMed 0.00003; gnomAD 0.00012; 1000 Genomes Project 0.00132; 1000 Genomes Project 30x 0.00146; ExAC 0.00189.
gnomAD v4.1: 218 of 1,166,923 alleles (0.019%); highest among the groups gnomAD compares: South Asian, 0.4%; 2 homozygotes.

Submissions (2):

Labcorp Genetics (formerly Invitae), Labcorp
Classification: Uncertain significance. Last evaluated: 2023-09-10. Review status: criteria provided, single submitter. Criteria: Invitae Variant Classification Sherloc (09022015). Collection method: clinical testing. Allele origin: germline.
Comment: This sequence change replaces proline, which is neutral and non-polar, with arginine, which is basic and polar, at codon 5 of the BRWD3 protein (p.Pro5Arg). The frequency data for this variant in the population databases is considered unreliable, as metrics indicate poor data quality at this position in the gnomAD database. This variant has not been reported in the literature in individuals affected with BRWD3-related conditions. ClinVar contains an entry for this variant (Variation ID: 1773974). Advanced modeling of protein sequence and biophysical properties (such as structural, functional, and spatial information, amino acid conservation, physicochemical variation, residue mobility, and thermodynamic stability) performed at Invitae indicates that this missense variant is not expected to disrupt BRWD3 protein function. In summary, the available evidence is currently insufficient to determine the role of this variant in disease. Therefore, it has been classified as a Variant of Uncertain Significance.

Ambry Genetics
Classification: Benign for Inborn genetic diseases. Last evaluated: 2017-08-08. Review status: criteria provided, single submitter. Criteria: Ambry Variant Classification Scheme 2023. Collection method: clinical testing. Allele origin: germline.